The following is an entry in ClinVar:

NM_030665.4(RAI1):c.2004C>T (p.Pro668=)

Gene: RAI1 (retinoic acid induced 1; plus strand). Cytogenetic location: 17p11.2.
Variant type: single nucleotide variant.
Coding change: c.2004C>T on transcript NM_030665.4 (MANE Select); coding-DNA position 2004, C replaced by T.
Protein change: p.Pro668=; no amino-acid change (proline 668 retained).
Molecular consequence: synonymous variant.
Genome position (GRCh38, 1-based): chr17:17,794,952, C>T. VCF-style: chr17-17794952-C-T. GRCh37 (hg19) VCF-style: chr17-17698266-C-T.
Identifiers: ClinVar variation 96180 (VCV000096180.16), dbSNP rs398124414, ClinGen allele CA223798.
Genomic context (GRCh38, chr17:17,794,952, plus strand): 5'-CTGCCTGGACTCTGTGGCCAAGAGTGCGTGGCCCCGGCCTGGGGAGCCGGAGGCCCTGCC[C>T]GACTCCTTGCAGCTGGACAAGGGCGGCAATGCCAAGGACTTCAGCCCAGGGCTGTTTGAA-3'
Protein context (NP_109590.3, residues 658-678): WPRPGEPEAL[Pro668=]DSLQLDKGGN

ClinVar aggregate classification (germline): Conflicting classifications of pathogenicity. Review status: criteria provided, conflicting classifications (1 of 4 stars). 4 submissions from 4 submitters: Uncertain significance (1); Likely benign (2). 1 of the submissions does not count toward it. Last evaluated 2025-10-28.

Conditions:
RAI1-related disorder. Also called: RAI1-related condition.
Inborn genetic diseases. Identifiers: MedGen C0950123, MeSH D030342.

Allele frequency attached by ClinVar (database versions not stated): gnomAD 0.00014 and 0.00016; gnomAD exomes 0.00004 and 0.00007; TOPMed 0.00020.
gnomAD v4.1: 75 of 1,613,658 alleles (0.0046%); highest among the groups gnomAD compares: Admixed American, 0.083%; 1 homozygote.

Submissions (4):

Labcorp Genetics (formerly Invitae), Labcorp
Classification: Likely benign. Last evaluated: 2025-10-28. Review status: criteria provided, single submitter. Criteria: Invitae Variant Classification Sherloc (09022015). Collection method: clinical testing. Allele origin: germline.

Ambry Genetics
Classification: Likely benign for Inborn genetic diseases. Last evaluated: 2017-12-04. Review status: criteria provided, single submitter. Criteria: Ambry Variant Classification Scheme 2023. Collection method: clinical testing. Allele origin: germline.

Eurofins Ntd Llc (ga)
Classification: Uncertain significance. Last evaluated: 2013-04-23. Review status: criteria provided, single submitter. Criteria: EGL Classification Definitions 2015. Collection method: clinical testing. Allele origin: germline. Observed: 1 variant allele, 1 heterozygote.

PreventionGenetics, part of Exact Sciences
Classification: Likely benign for RAI1-related condition. Last evaluated: 2020-09-08. Review status: no assertion criteria provided. Collection method: clinical testing. Allele origin: germline. Not counted in ClinVar's aggregate classification.
Comment: This variant is classified as likely benign based on ACMG/AMP sequence variant interpretation guidelines (Richards et al. 2015 PMID: 25741868, with internal and published modifications).